The following is an entry in ClinVar:

ClinVar aggregate classification (germline): Uncertain significance (1 of 4 stars; one submission).

Conditions:
DK1-congenital disorder of glycosylation. Also called: CONGENITAL DISORDER OF GLYCOSYLATION, TYPE Im; DOLK-congenital disorder of glycosylation; Carbohydrate deficient glycoprotein syndrome type 1m; DK1 DEFICIENCY; DOLICHOL KINASE DEFICIENCY; DK1-CDG. Identifiers: Orphanet 91131, MedGen C1835849, MONDO:0012556, OMIM 610768.

Submission:

Labcorp Genetics (formerly Invitae), Labcorp
Classification: Uncertain significance for DK1-congenital disorder of glycosylation. Last evaluated: 2024-10-18. Review status: criteria provided, single submitter. Criteria: Invitae Variant Classification Sherloc (09022015). Collection method: clinical testing. Allele origin: germline.
Comment: This sequence change replaces glutamine, which is neutral and polar, with proline, which is neutral and non-polar, at codon 207 of the DOLK protein (p.Gln207Pro). This variant is not present in population databases (gnomAD no frequency). This variant has not been reported in the literature in individuals affected with DOLK-related conditions. ClinVar contains an entry for this variant (Variation ID: 1346830). Invitae Evidence Modeling of protein sequence and biophysical properties (such as structural, functional, and spatial information, amino acid conservation, physicochemical variation, residue mobility, and thermodynamic stability) indicates that this missense variant is expected to disrupt DOLK protein function with a positive predictive value of 80%. In summary, the available evidence is currently insufficient to determine the role of this variant in disease. Therefore, it has been classified as a Variant of Uncertain Significance.

NM_014908.4(DOLK):c.620A>C (p.Gln207Pro)

Gene: DOLK (dolichol kinase; minus strand). Cytogenetic location: 9q34.11.
Variant type: single nucleotide variant.
Coding change: c.620A>C on transcript NM_014908.4 (MANE Select); coding-DNA position 620, A replaced by C.
Protein change: p.Gln207Pro; replaces glutamine 207 with proline.
Molecular consequence: missense variant.
Genome position (GRCh38, 1-based): chr9:128,946,684, T>G on the plus strand (A>C on the coding strand, the complement: DOLK is on the minus strand). VCF-style: chr9-128946684-T-G. GRCh37 (hg19) VCF-style: chr9-131708963-T-G.
Other names: short protein forms Q207P.
Identifiers: ClinVar variation 1346830 (VCV001346830.8), dbSNP rs2131128386, ClinGen allele CA375124731.
Genomic context (GRCh38, chr9:128,946,684, plus strand): 5'-AGGAAGAAGTCCACTGGGTCCCCCTGACTTTCCACCAGTGTCAGAGAGCGCTTGATGAGC[T>G]GGTTGAGGACAAAGCTAATGCCACCCAATACCAGCAGTGCCTCACCAGGGGTGAAGCAGC-3'
Protein context (NP_055723.1, residues 197-217): VLGGISFVLN[Gln207Pro]LIKRSLTLVE